The following is an entry in ClinVar:

NM_015599.3(PGM3):c.1626C>A (p.Phe542Leu)

Genes: DOP1A (DOP1 leucine zipper like protein A; plus strand), PGM3 (phosphoglucomutase 3; minus strand). Cytogenetic location: 6q14.1.
Variant type: single nucleotide variant.
Coding change: c.1626C>A on transcript NM_015599.3 (MANE Select); coding-DNA position 1626, C replaced by A.
Protein change: p.Phe542Leu; replaces phenylalanine 542 with leucine.
Molecular consequence: missense variant. On other transcripts: 3 prime UTR variant (1), intron variant (1).
Genome position (GRCh38, 1-based): chr6:83,169,237, G>T on the plus strand (C>A on the coding strand, the complement: PGM3 is on the minus strand). VCF-style: chr6-83169237-G-T. GRCh37 (hg19) VCF-style: chr6-83878956-G-T.
Other names: c.1710C>A, p.Phe570Leu (NM_001199917.2, NM_001367287.1); c.*61C>A (NM_001199918.2); c.1503C>A, p.Phe501Leu (NM_001367286.1); c.1621+5C>A (NM_001199919.2); short protein forms F542L, F570L, F501L.
Identifiers: ClinVar variation 2066454 (VCV002066454.4), dbSNP rs1315458324, ClinGen allele CA364877574.

ClinVar aggregate classification (germline): Uncertain significance (1 of 4 stars; one submission).

Conditions:
Immunodeficiency 23 (IMD23). Also called: IMMUNODEFICIENCY WITH HYPER IgE AND COGNITIVE IMPAIRMENT; IMMUNODEFICIENCY-VASCULITIS-MYOCLONUS SYNDROME. Identifiers: Orphanet 443811, MedGen C4014371, MONDO:0014353, OMIM 615816.

Allele frequency attached by ClinVar (database versions not stated): TOPMed below 0.00001; gnomAD 0.00001; gnomAD exomes 0.00001.
gnomAD v4.1: 19 of 1,613,898 alleles (0.0012%); highest among the groups gnomAD compares: Non-Finnish European, 0.0016%; no homozygotes.

Submission:

Labcorp Genetics (formerly Invitae), Labcorp
Classification: Uncertain significance for Immunodeficiency 23. Last evaluated: 2022-05-29. Review status: criteria provided, single submitter. Criteria: Invitae Variant Classification Sherloc (09022015). Collection method: clinical testing. Allele origin: germline.
Comment: In summary, the available evidence is currently insufficient to determine the role of this variant in disease. Therefore, it has been classified as a Variant of Uncertain Significance. Algorithms developed to predict the effect of missense changes on protein structure and function output the following: SIFT: "Tolerated"; PolyPhen-2: "Benign"; Align-GVGD: "Class C0". The leucine amino acid residue is found in multiple mammalian species, which suggests that this missense change does not adversely affect protein function. This sequence change replaces phenylalanine, which is neutral and non-polar, with leucine, which is neutral and non-polar, at codon 570 of the PGM3 protein (p.Phe570Leu). This variant is not present in population databases (gnomAD no frequency). This variant has not been reported in the literature in individuals affected with PGM3-related conditions.